The following is an entry in ClinVar:

NM_002103.5(GYS1):c.159G>A (p.Val53=)

Gene: GYS1 (glycogen synthase 1; minus strand). Cytogenetic location: 19q13.33.
Variant type: single nucleotide variant.
Coding change: c.159G>A on transcript NM_002103.5 (MANE Select); coding-DNA position 159, G replaced by A.
Protein change: p.Val53=; no amino-acid change (valine 53 retained).
Molecular consequence: synonymous variant.
Genome position (GRCh38, 1-based): chr19:48,991,443, C>T on the plus strand (G>A on the coding strand, the complement: GYS1 is on the minus strand). VCF-style: chr19-48991443-C-T. GRCh37 (hg19) VCF-style: chr19-49494700-C-T.
Other names: c.159G>A, p.Val53= (NM_001161587.2).
Identifiers: ClinVar variation 2650227 (VCV002650227.24), dbSNP rs2513737688, ClinGen allele CA508089895.
Genomic context (GRCh38, chr19:48,991,443, plus strand): 5'-CACGCCCTGCTCCGTGTACGGCCCCACCAGGAAGTAGTTGTCGCCCCATTCGTCCCCTGT[C>T]ACCTTCGCCTTCGTCTGCAGCACCGTGTAGATGCCACCCACTGTGGGCCCAAGCGTGTGA-3'
Protein context (NP_002094.2, residues 43-63): IYTVLQTKAK[Val53=]TGDEWGDNYF

ClinVar aggregate classification (germline): Likely benign (1 of 4 stars; one submission).

Submission:

CeGaT Center for Human Genetics Tuebingen
Classification: Likely benign. Last evaluated: 2022-11-01. Review status: criteria provided, single submitter. Criteria: CeGaT Center For Human Genetics Tuebingen Variant Classification Criteria Version 2. Collection method: clinical testing. Allele origin: germline. Affected: yes. Observed: 1 variant allele.
Comment: GYS1: PM2:Supporting, BP4, BP7